The following is an entry in ClinVar:

NM_207111.4(RNF216):c.1020C>T (p.Leu340=)

Gene: RNF216 (ring finger protein 216; minus strand). Cytogenetic location: 7p22.1.
Variant type: single nucleotide variant.
Coding change: c.1020C>T on transcript NM_207111.4 (MANE Select); coding-DNA position 1020, C replaced by T.
Protein change: p.Leu340=; no amino-acid change (leucine 340 retained).
Molecular consequence: synonymous variant.
Genome position (GRCh38, 1-based): chr7:5,740,997, G>A on the plus strand (C>T on the coding strand, the complement: RNF216 is on the minus strand). VCF-style: chr7-5740997-G-A. GRCh37 (hg19) VCF-style: chr7-5780628-G-A.
Other names: c.849C>T, p.Leu283= (NM_001377156.1, NM_207116.3).
Identifiers: ClinVar variation 2499035 (VCV002499035.28), dbSNP rs376378022, ClinGen allele CA4148393.
Genomic context (GRCh38, chr7:5,740,997, plus strand): 5'-GTAGTGTCTACATTTACTTGATAAAATAAAACTTACCGTTTCTTTCACTAGTAGTTCAAC[G>A]AGCTCTTGATCTACCTCTGCAGCTTCTTGCCCCCAAATGTTTTCCAAATTGGGCTCTTGA-3'
Protein context (NP_996994.1, residues 330-350): GQEAAEVDQE[Leu340=]VELLVKETEA

ClinVar aggregate classification (germline): Likely benign (1 of 4 stars; one submission).

Allele frequency attached by ClinVar (database versions not stated): ExAC 0.00001; gnomAD exomes 0.00001; TOPMed 0.00002; ESP Exome Variant Server 0.00008.
gnomAD v4.1: 13 of 1,605,634 alleles (0.00081%); highest among the groups gnomAD compares: African/African-American, 0.0068%; no homozygotes.

Submission:

CeGaT Center for Human Genetics Tuebingen
Classification: Likely benign. Last evaluated: 2023-02-01. Review status: criteria provided, single submitter. Criteria: CeGaT Center For Human Genetics Tuebingen Variant Classification Criteria Version 2. Collection method: clinical testing. Allele origin: germline. Affected: yes. Observed: 1 variant allele.
Comment: RNF216: BP4, BP7